The following is an entry in ClinVar:

ClinVar aggregate classification (germline): Conflicting classifications of pathogenicity. Review status: criteria provided, conflicting classifications (1 of 4 stars). 3 submissions from 3 submitters: Uncertain significance (1); Likely benign (2). Last evaluated 2025-02-10.

Allele frequency attached by ClinVar (database versions not stated): ESP Exome Variant Server 0.00008; gnomAD exomes 0.00010 and 0.00011; gnomAD 0.00011 and 0.00012; TOPMed 0.00011; ExAC 0.00012; 1000 Genomes Project 30x 0.00016; 1000 Genomes Project 0.00020.
gnomAD v4.1: 159 of 1,614,020 alleles (0.0099%); highest among the groups gnomAD compares: Middle Eastern, 0.13%; no homozygotes.

Submissions (3):

Labcorp Genetics (formerly Invitae), Labcorp
Classification: Likely benign. Last evaluated: 2025-02-10. Review status: criteria provided, single submitter. Criteria: Invitae Variant Classification Sherloc (09022015). Collection method: clinical testing. Allele origin: germline.

Blueprint Genetics
Classification: Likely benign. Last evaluated: 2024-07-29. Review status: criteria provided, single submitter. Criteria: ACMG Guidelines, 2015. Collection method: clinical testing. Allele origin: germline.

CeGaT Center for Human Genetics Tuebingen
Classification: Uncertain significance. Last evaluated: 2023-08-01. Review status: criteria provided, single submitter. Criteria: CeGaT Center For Human Genetics Tuebingen Variant Classification Criteria Version 2. Collection method: clinical testing. Allele origin: germline. Affected: yes. Observed: 1 variant allele.
Comment: CIT: PM2, BP4

NM_001206999.2(CIT):c.4677C>T (p.Ala1559=)

Gene: CIT (citron rho-interacting serine/threonine kinase; minus strand). Cytogenetic location: 12q24.23.
Variant type: single nucleotide variant.
Coding change: c.4677C>T on transcript NM_001206999.2 (MANE Select); coding-DNA position 4677, C replaced by T.
Protein change: p.Ala1559=; no amino-acid change (alanine 1559 retained).
Molecular consequence: synonymous variant.
Genome position (GRCh38, 1-based): chr12:119,712,598, G>A on the plus strand (C>T on the coding strand, the complement: CIT is on the minus strand). VCF-style: chr12-119712598-G-A. GRCh37 (hg19) VCF-style: chr12-120150403-G-A.
Other names: c.4551C>T, p.Ala1517= (NM_007174.3).
Identifiers: ClinVar variation 775315 (VCV000775315.32), dbSNP rs372311430, ClinGen allele CA6821151.